The following is an entry in ClinVar:

ClinVar aggregate classification (germline): Benign (1 of 4 stars; one submission).

Allele frequency attached by ClinVar (database versions not stated): 1000 Genomes Project 30x 0.18988; 1000 Genomes Project 0.19489; TOPMed 0.21271; gnomAD 0.21459 and 0.21594.
gnomAD v4.1: 32,861 of 152,052 alleles (22%); highest among the groups gnomAD compares: East Asian, 30%; 3,980 homozygotes.

Submission:

GeneDx
Classification: Benign. Last evaluated: 2018-06-15. Review status: criteria provided, single submitter. Criteria: GeneDx Variant Classification (06012015). Collection method: clinical testing. Allele origin: germline. Affected: yes.
Comment: This variant is considered likely benign or benign based on one or more of the following criteria: it is a conservative change, it occurs at a poorly conserved position in the protein, it is predicted to be benign by multiple in silico algorithms, and/or has population frequency not consistent with disease.

NM_015450.3(POT1):c.547-222C>A

Gene: POT1 (protection of telomeres 1; minus strand). Cytogenetic location: 7q31.33.
Variant type: single nucleotide variant.
Coding change: c.547-222C>A on transcript NM_015450.3 (MANE Select); 222 bases into the intron before coding-DNA position 547, C replaced by A.
Molecular consequence: intron variant.
Genome position (GRCh38, 1-based): chr7:124,859,334, G>T on the plus strand (C>A on the coding strand, the complement: POT1 is on the minus strand). VCF-style: chr7-124859334-G-T. GRCh37 (hg19) VCF-style: chr7-124499388-G-T.
Other names: c.154-222C>A (NM_001042594.2).
Identifiers: ClinVar variation 677023 (VCV000677023.1), dbSNP rs67084428, ClinGen allele CA166070535.